The following is an entry in ClinVar:

ClinVar aggregate classification (germline): Uncertain significance (1 of 4 stars; one submission).

Allele frequency attached by ClinVar (database versions not stated): TOPMed below 0.00001; ExAC 0.00002.
gnomAD v4.1: 7 of 1,613,972 alleles (0.00043%); highest among the groups gnomAD compares: South Asian, 0.0011%; no homozygotes.

Submission:

GeneDx
Classification: Uncertain significance. Last evaluated: 2023-03-20. Review status: criteria provided, single submitter. Criteria: GeneDx Variant Classification Process June 2021. Collection method: clinical testing. Allele origin: germline. Affected: yes.
Comment: Not observed at significant frequency in large population cohorts (gnomAD); In silico analysis supports that this missense variant does not alter protein structure/function; Has not been previously published as pathogenic or benign to our knowledge

NM_022095.4(ZNF335):c.3984G>C (p.Gln1328His)

Gene: ZNF335 (zinc finger protein 335; minus strand). Cytogenetic location: 20q13.12.
Variant type: single nucleotide variant.
Coding change: c.3984G>C on transcript NM_022095.4 (MANE Select); coding-DNA position 3984, G replaced by C.
Protein change: p.Gln1328His; replaces glutamine 1328 with histidine.
Molecular consequence: missense variant.
Genome position (GRCh38, 1-based): chr20:45,948,998, C>G on the plus strand (G>C on the coding strand, the complement: ZNF335 is on the minus strand). VCF-style: chr20-45948998-C-G. GRCh37 (hg19) VCF-style: chr20-44577637-C-G.
Other names: short protein forms Q1328H.
Identifiers: ClinVar variation 2580439 (VCV002580439.1), dbSNP rs764029673, ClinGen allele CA9884745.